The following is an entry in ClinVar:

ClinVar aggregate classification (germline): Uncertain significance (1 of 4 stars; one submission).

Conditions:
Intellectual developmental disorder, X-linked 106. Also called: Mental retardation, X-linked 106; Intellectual disability, X-linked 106. Identifiers: MedGen C4478379, MONDO:0030907, OMIM 300997.

Submission:

Center for Human Genetics and Genomic Medicine, Uniklinik Rwth Aachen
Classification: Uncertain significance for Intellectual developmental disorder, X-linked 106. Last evaluated: 2024-08-14. Review status: criteria provided, single submitter. Criteria: ACMG Guidelines, 2015. Collection method: clinical testing. Allele origin: maternal. Inheritance: X-linked inheritance. Affected: yes. Observed: 1 hemizygote.
Comment: The sequence variant is neither present in databases nor in the literature. There are no further affected family members, and no further relatives were available for segregation analyses. We have classified the variant as a variant of uncertain significance (PM2, PP1, PP2, PP3).

NM_181672.3(OGT):c.2105C>A (p.Thr702Asn)

Gene: OGT (O-linked N-acetylglucosamine (GlcNAc) transferase; plus strand). Cytogenetic location: Xq13.1.
Variant type: single nucleotide variant.
Coding change: c.2105C>A on transcript NM_181672.3 (MANE Select); coding-DNA position 2105, C replaced by A.
Protein change: p.Thr702Asn; replaces threonine 702 with asparagine.
Molecular consequence: missense variant.
Genome position (GRCh38, 1-based): chrX:71,562,974, C>A. VCF-style: chrX-71562974-C-A. GRCh37 (hg19) VCF-style: chrX-70782824-C-A.
Other names: c.2075C>A, p.Thr692Asn (NM_181673.3); short protein forms T692N, T702N.
Identifiers: ClinVar variation 3336836 (VCV003336836.2).
Genomic context (GRCh38, chrX:71,562,974, plus strand): 5'-AAACTTCGCCAGCTGAAGTTGCTGAGCAGTATTCCGAGAAATTGGCTTATATGCCCCACA[C>A]TTTTTTTATTGGTGATCATGCTAATATGTTCCCTCACCTGAAGGTAGGTATGAAACAGTG-3'
Protein context (NP_858058.1, residues 692-712): YSEKLAYMPH[Thr702Asn]FFIGDHANMF